The following is an entry in ClinVar:

NM_007294.4(BRCA1):c.427G>C (p.Glu143Gln)

Gene: BRCA1 (BRCA1 DNA repair associated; minus strand). Cytogenetic location: 17q21.31.
Variant type: single nucleotide variant.
Coding change: c.427G>C on transcript NM_007294.4 (MANE Select); coding-DNA position 427, G replaced by C.
Protein change: p.Glu143Gln; replaces glutamic acid 143 with glutamine.
Molecular consequence: missense variant. On other transcripts: non-coding transcript variant (1).
Genome position (GRCh38, 1-based): chr17:43,104,136, C>G on the plus strand (G>C on the coding strand, the complement: BRCA1 is on the minus strand). VCF-style: chr17-43104136-C-G. GRCh37 (hg19) VCF-style: chr17-41256153-C-G.
Other names: c.286G>C, p.Glu96Gln (NM_001407740.1, NM_001407741.1, NM_001407742.1 and 99 more transcripts); c.217G>C, p.Glu73Gln (NM_001407853.1, NM_001407879.1, NM_001407881.1 and 58 more transcripts); c.427G>C, p.Glu143Gln (NM_001407854.1, NM_001407858.1, NM_001407859.1 and 165 more transcripts); c.349G>C, p.Glu117Gln (NM_001407862.1, NM_001407874.1, NM_001407875.1 and 21 more transcripts); c.46G>C, p.Glu16Gln (NM_001407959.1, NM_001407960.1, NM_001407962.1 and 4 more transcripts); c.418G>C, p.Glu140Gln (NM_001408408.1, NM_001407646.1, NM_001407647.1); c.295G>C, p.Glu99Gln (NM_001408451.1); short protein forms E143Q, E96Q, E16Q, E99Q, E140Q, E73Q, E117Q.
Identifiers: ClinVar variation 232628 (VCV000232628.20), dbSNP rs80356991, ClinGen allele CA10580702.

ClinVar aggregate classification (germline): Uncertain significance. Review status: criteria provided, multiple submitters, no conflicts (2 of 4 stars). 4 submissions from 4 submitters: Uncertain significance (4). Last evaluated 2026-02-02.

Conditions:
Hereditary cancer-predisposing syndrome. Also called: Neoplastic Syndromes, Hereditary; Tumor predisposition; Hereditary Cancer Syndrome; Hereditary neoplastic syndrome. Identifiers: Orphanet 140162, MedGen C0027672, MeSH D009386, MONDO:0015356.
Hereditary breast ovarian cancer syndrome. Also called: Hereditary breast and ovarian cancer syndrome; BRCA1- and BRCA2-Associated Hereditary Breast and Ovarian Cancer; Breast and ovarian cancer; Hereditary breast and/or ovarian cancer syndrome; Hereditary breast and ovarian cancer; Hereditary breast and ovarian cancer syndrome (HBOC). Identifiers: Orphanet 145, MedGen C0677776, MeSH D061325, MONDO:0003582. Disease mechanism: loss of function.

gnomAD v4.1: 2 of 1,613,344 alleles (0.00012%); highest among the groups gnomAD compares: South Asian, 0.0011%; no homozygotes.

Submissions (4):

Labcorp Genetics (formerly Invitae), Labcorp
Classification: Uncertain significance for Hereditary breast ovarian cancer syndrome. Last evaluated: 2026-02-02. Review status: criteria provided, single submitter. Criteria: Invitae Variant Classification Sherloc (09022015). Collection method: clinical testing. Allele origin: germline.
Comment: This sequence change replaces glutamic acid, which is acidic and polar, with glutamine, which is neutral and polar, at codon 143 of the BRCA1 protein (p.Glu143Gln). This variant is not present in population databases (gnomAD no frequency). This missense change has been observed in individual(s) with breast cancer (PMID: 20567915, 25682074). ClinVar contains an entry for this variant (Variation ID: 232628). Invitae Evidence Modeling of protein sequence and biophysical properties (such as structural, functional, and spatial information, amino acid conservation, physicochemical variation, residue mobility, and thermodynamic stability) indicates that this missense variant is not expected to disrupt BRCA1 protein function with a negative predictive value of 80%. In summary, the available evidence is currently insufficient to determine the role of this variant in disease. Therefore, it has been classified as a Variant of Uncertain Significance.

Ambry Genetics
Classification: Uncertain significance for Hereditary cancer-predisposing syndrome. Last evaluated: 2025-09-29. Review status: criteria provided, single submitter. Criteria: Ambry Variant Classification Scheme 2023. Collection method: clinical testing. Allele origin: germline.
Comment: The p.E143Q variant (also known as c.427G>C), located in coding exon 5 of the BRCA1 gene, results from a G to C substitution at nucleotide position 427. The glutamic acid at codon 143 is replaced by glutamine, an amino acid with highly similar properties. This alteration was identified in a hereditary breast and/or ovarian cancer family (Negura L et al. Fam Cancer, 2010 Dec;9:519-23). This alteration was also identified in an individual diagnosed with a triple negative breast cancer (Wong-Brown MW et al. Breast Cancer Res Treat, 2015 Feb;150:71-80). This amino acid position is not well conserved in available vertebrate species. In addition, this alteration is predicted to be deleterious by in silico analysis. Based on the available evidence, the clinical significance of this variant remains unclear.

Color Diagnostics, LLC DBA Color Health
Classification: Uncertain significance for Hereditary cancer-predisposing syndrome. Last evaluated: 2025-08-09. Review status: criteria provided, single submitter. Criteria: ACMG Guidelines, 2015. Collection method: clinical testing. Allele origin: germline.
Comment: This missense variant replaces glutamic acid with glutamine at codon 143 of the BRCA1 protein. Computational prediction suggests that this variant may not impact protein structure and function. A functional study has reported that this variant does not impact BRCA1 in a high-throughput homology-directed DNA repair assay (PMID: 30219179). This variant has been reported in individuals affected with breast cancer in the literature (PMID: 20567915, 25682074), and it also has been detected in a breast cancer case-control meta-analysis in 0/60466 cases and 1/53461 unaffected individuals (PMID: 33471991Leiden Open Variation Database DB-ID BRCA1_005366). A multifactorial analysis has reached a combined likelihood ratio (LR) of 0.741 based on reported LR for co-occurrence with a pathogenic variant and personal and family history for 1 carrier (PMID: 31853058). This variant has not been identified in the general population by the Genome Aggregation Database (gnomAD). The available evidence is insufficient to determine the role of this variant in disease conclusively. Therefore, this variant is classified as a Variant of Uncertain Significance.

Women's Health and Genetics/Laboratory Corporation of America, LabCorp
Classification: Uncertain significance. Last evaluated: 2022-05-06. Review status: criteria provided, single submitter. Criteria: LabCorp Variant Classification Summary - May 2015. Collection method: clinical testing. Allele origin: germline.
Comment: Variant summary: BRCA1 c.427G>C (p.Glu143Gln) results in a conservative amino acid change in the encoded protein sequence. Four of five in-silico tools predict a benign effect of the variant on protein function. The variant was absent in 251024 control chromosomes. The available data on variant occurrences in the general population are insufficient to allow any conclusion about variant significance. c.427G>C has been reported in the literature in individuals affected with Hereditary Breast And Ovarian Cancer Syndrome without strong evidence for causality (e.g. Negura_2010, Wong-Brown_2015). These reports do not provide unequivocal conclusions about association of the variant with Hereditary Breast And Ovarian Cancer Syndrome. To our knowledge, no experimental evidence demonstrating an impact on protein function has been reported. Three clinical diagnostic laboratories have submitted clinical-significance assessments for this variant to ClinVar after 2014 without evidence for independent evaluation. All laboratories classified the variant as uncertain significance. Based on the evidence outlined above, the variant was classified as uncertain significance.

Literature cited by the submitters: PubMed 20567915 (cited by 4 submitters); PubMed 25682074 (cited by 4 submitters); PubMed 30219179 (cited by Color Diagnostics, LLC DBA Color Health); PubMed 31853058 (cited by Color Diagnostics, LLC DBA Color Health); PubMed 33471991 (cited by Color Diagnostics, LLC DBA Color Health).